The following is an entry in ClinVar:

ClinVar aggregate classification (germline): Uncertain significance (1 of 4 stars; one submission).

Conditions:
Netherton syndrome (NETH). Also called: COMEL-NETHERTON SYNDROME; NETHERTON DISEASE; ERYTHRODERMA, ICHTHYOSIFORM, WITH HYPOTRICHOSIS AND HYPER-IgE. Identifiers: Orphanet 634, MedGen C5574950, MONDO:0009735, OMIM 256500.

Allele frequency attached by ClinVar (database versions not stated): TOPMed below 0.00001; gnomAD exomes 0.00001 and 0.00002; ExAC 0.00003.
gnomAD v4.1: 19 of 1,612,774 alleles (0.0012%); highest among the groups gnomAD compares: Non-Finnish European, 0.0016%; 1 homozygote.

Submission:

Labcorp Genetics (formerly Invitae), Labcorp
Classification: Uncertain significance for Ichthyosis linearis circumflexa. Last evaluated: 2021-08-30. Review status: criteria provided, single submitter. Criteria: Invitae Variant Classification Sherloc (09022015). Collection method: clinical testing. Allele origin: germline.
Comment: This sequence change replaces methionine with threonine at codon 58 of the SPINK5 protein (p.Met58Thr). The methionine residue is weakly conserved and there is a moderate physicochemical difference between methionine and threonine. This variant is present in population databases (rs773557840, ExAC 0.006%), including at least one homozygous and/or hemizygous individual. This variant has not been reported in the literature in individuals affected with SPINK5-related conditions. Algorithms developed to predict the effect of missense changes on protein structure and function output the following: SIFT: "Tolerated"; PolyPhen-2: "Benign"; Align-GVGD: "Class C0". The threonine amino acid residue is found in multiple mammalian species, which suggests that this missense change does not adversely affect protein function. In summary, the available evidence is currently insufficient to determine the role of this variant in disease. Therefore, it has been classified as a Variant of Uncertain Significance.

NM_006846.4(SPINK5):c.173T>C (p.Met58Thr)

Gene: SPINK5 (serine peptidase inhibitor Kazal type 5; plus strand). Cytogenetic location: 5q32.
Variant type: single nucleotide variant.
Coding change: c.173T>C on transcript NM_006846.4 (MANE Select); coding-DNA position 173, T replaced by C.
Protein change: p.Met58Thr; replaces methionine 58 with threonine.
Molecular consequence: missense variant.
Genome position (GRCh38, 1-based): chr5:148,070,414, T>C. VCF-style: chr5-148070414-T-C. GRCh37 (hg19) VCF-style: chr5-147449977-T-C.
Other names: c.173T>C, p.Met58Thr (NM_001127698.2, NM_001127699.2); short protein forms M58T.
Identifiers: ClinVar variation 1425163 (VCV001425163.5), dbSNP rs773557840, ClinGen allele CA3495120.